The following is an entry in ClinVar:

NM_005462.5(MAGEC1):c.2386G>C (p.Glu796Gln)

Gene: MAGEC1 (MAGE family member C1; plus strand). Cytogenetic location: Xq27.2.
Variant type: single nucleotide variant.
Coding change: c.2386G>C on transcript NM_005462.5 (MANE Select); coding-DNA position 2386, G replaced by C.
Protein change: p.Glu796Gln; replaces glutamic acid 796 with glutamine.
Molecular consequence: missense variant.
Genome position (GRCh38, 1-based): chrX:141,907,790, G>C. VCF-style: chrX-141907790-G-C. GRCh37 (hg19) VCF-style: chrX-140995576-G-C.
Other names: short protein forms E796Q.
Identifiers: ClinVar variation 3905621 (VCV003905621.10).
Genomic context (GRCh38, chrX:141,907,790, plus strand): 5'-CAGAGACCTGTCAGCTCCTTCTTCTCCTACACTTTAGCGAGTCTTCTCCAAAGTTCCCAT[G>C]AGAGTCCTCAGAGTCCTCCTGAGGGGCCTGCCCAGTCTCCTCTCCAGAGTCCTGTGAGCT-3'
Protein context (NP_005453.2, residues 786-806): TLASLLQSSH[Glu796Gln]SPQSPPEGPA

ClinVar aggregate classification (germline): Likely benign (1 of 4 stars; one submission).

Submission:

CeGaT Center for Human Genetics Tuebingen
Classification: Likely benign. Last evaluated: 2025-05-01. Review status: criteria provided, single submitter. Criteria: CeGaT Center For Human Genetics Tuebingen Variant Classification Criteria Version 2. Collection method: clinical testing. Allele origin: germline. Affected: yes. Observed: 1 variant allele.
Comment: MAGEC1: BP4, BS2